The following is an entry in ClinVar:

NM_016239.4(MYO15A):c.7854del (p.Gln2620fs)

Gene: MYO15A (myosin XVA; plus strand). Cytogenetic location: 17p11.2.
Variant type: Deletion.
Coding change: c.7854del on transcript NM_016239.4 (MANE Select); coding-DNA position 7854, one base deleted (A; older notation c.7854delA).
Protein change: p.Gln2620fs; shifts the reading frame from glutamine 2620.
Molecular consequence: frameshift variant.
Genome position (GRCh38, 1-based): chr17:18,151,912, A deleted; the last of 3 consecutive A bases (chr17:18,151,910-18,151,912); deleting any one gives the same sequence. VCF-style (leftmost placement, unchanged base first): chr17-18151909-GA-G. GRCh37 (hg19) VCF-style: chr17-18055223-GA-G.
Other names: short protein forms Q2620fs.
Identifiers: ClinVar variation 3601391 (VCV003601391.1).
Genomic context (GRCh38, chr17:18,151,909, plus strand): 5'-GGATGGCGGGAAAGTGTTCATGAAGCGGCCAGACCCTCATGAGGAGGCCCTGATGATCCT[GA>G]AAGGGCAGATGACCCACCTGGCAGCTGCACCTGGCACCCAGGTGAGGGGGGAAGGTGGGG-3'

ClinVar aggregate classification (germline): Likely pathogenic (1 of 4 stars; one submission).

Conditions:
Autosomal recessive nonsyndromic hearing loss 3. Also called: NEUROSENSORY NONSYNDROMIC RECESSIVE DEAFNESS 3. Identifiers: Orphanet 90636, MedGen C1838263, MONDO:0010860, OMIM 600316.

Submission:

Institute of Rare Diseases, West China Hospital, Sichuan University
Classification: Likely pathogenic for Autosomal recessive nonsyndromic hearing loss 3. Last evaluated: 2025-01-09. Review status: criteria provided, single submitter. Criteria: ClinGen HL ACMG Specifications v1. Collection method: research. Allele origin: germline. Affected: yes.
Comment: PVS1;PM2_Supporting